The following is an entry in ClinVar:

NM_001384140.1(PCDH15):c.2179G>C (p.Val727Leu)

Gene: PCDH15 (protocadherin related 15; minus strand). Cytogenetic location: 10q21.1.
Variant type: single nucleotide variant.
Coding change: c.2179G>C on transcript NM_001384140.1 (MANE Select); coding-DNA position 2179, G replaced by C.
Protein change: p.Val727Leu; replaces valine 727 with leucine.
Molecular consequence: missense variant.
Genome position (GRCh38, 1-based): chr10:54,066,798, C>G on the plus strand (G>C on the coding strand, the complement: PCDH15 is on the minus strand). VCF-style: chr10-54066798-C-G. GRCh37 (hg19) VCF-style: chr10-55826558-C-G.
Other names: c.2194G>C, p.Val732Leu (NM_001142763.2, NM_001142771.2); c.2179G>C, p.Val727Leu (NM_001142764.2, NM_001142766.2, NM_001142770.3 and 5 more transcripts); c.1966G>C, p.Val656Leu (NM_001142765.2); c.2068G>C, p.Val690Leu (NM_001142767.2); c.2113G>C, p.Val705Leu (NM_001142768.2, NM_001142773.2, NM_001354404.2); c.2215G>C, p.Val739Leu (NM_001142769.4); c.2200G>C, p.Val734Leu (NM_001354411.2); short protein forms V727L, V732L, V690L, V734L, V656L, V705L, V739L.
Identifiers: ClinVar variation 1406747 (VCV001406747.7), dbSNP rs2094144298, ClinGen allele CA376516865.

ClinVar aggregate classification (germline): Uncertain significance. Review status: criteria provided, multiple submitters, no conflicts (2 of 4 stars). 2 submissions from 2 submitters: Uncertain significance (2). Last evaluated 2025-10-22.

Conditions:
Inborn genetic diseases. Identifiers: MedGen C0950123, MeSH D030342.

Allele frequency attached by ClinVar (database versions not stated): TOPMed below 0.00001.
gnomAD v4.1: 1 of 1,613,478 alleles (0.000062%); highest among the groups gnomAD compares: Non-Finnish European, 0.000085%; no homozygotes.

Submissions (2):

Ambry Genetics
Classification: Uncertain significance for Inborn genetic diseases. Last evaluated: 2025-10-22. Review status: criteria provided, single submitter. Criteria: Ambry Variant Classification Scheme 2023. Collection method: clinical testing. Allele origin: germline.

Labcorp Genetics (formerly Invitae), Labcorp
Classification: Uncertain significance. Last evaluated: 2021-03-28. Review status: criteria provided, single submitter. Criteria: Invitae Variant Classification Sherloc (09022015). Collection method: clinical testing. Allele origin: germline.
Comment: Algorithms developed to predict the effect of missense changes on protein structure and function are either unavailable or do not agree on the potential impact of this missense change (SIFT: "Deleterious"; PolyPhen-2: "Possibly Damaging"; Align-GVGD: "Class C0"). In summary, the available evidence is currently insufficient to determine the role of this variant in disease. Therefore, it has been classified as a Variant of Uncertain Significance. This variant has not been reported in the literature in individuals with PCDH15-related conditions. This variant is not present in population databases (ExAC no frequency). This sequence change replaces valine with leucine at codon 727 of the PCDH15 protein (p.Val727Leu). The valine residue is highly conserved and there is a small physicochemical difference between valine and leucine.